The following is an entry in ClinVar:

ClinVar aggregate classification (germline): Pathogenic (1 of 4 stars; one submission).

Conditions:
Pyruvate carboxylase deficiency. Also called: ATAXIA WITH LACTIC ACIDOSIS II; LEIGH NECROTIZING ENCEPHALOPATHY DUE TO PYRUVATE CARBOXYLASE DEFICIENCY; PC DEFICIENCY; LEIGH SYNDROME DUE TO PYRUVATE CARBOXYLASE DEFICIENCY; Pyruvate Carboxylase Deficiency Disease. Identifiers: Orphanet 3008, MedGen C0034341, MONDO:0009949, OMIM 266150.

Allele frequency attached by ClinVar (database versions not stated): gnomAD exomes below 0.00001.
gnomAD v4.1: 1 of 1,612,906 alleles (0.000062%); highest among the groups gnomAD compares: Non-Finnish European, 0.000085%; no homozygotes.

Submission:

Labcorp Genetics (formerly Invitae), Labcorp
Classification: Pathogenic for Pyruvate carboxylase deficiency. Last evaluated: 2023-02-08. Review status: criteria provided, single submitter. Criteria: Invitae Variant Classification Sherloc (09022015). Collection method: clinical testing. Allele origin: germline.
Comment: For these reasons, this variant has been classified as Pathogenic. ClinVar contains an entry for this variant (Variation ID: 1456444). This variant has not been reported in the literature in individuals affected with PC-related conditions. This variant is not present in population databases (gnomAD no frequency). This sequence change creates a premature translational stop signal (p.Gln375*) in the PC gene. It is expected to result in an absent or disrupted protein product. Loss-of-function variants in PC are known to be pathogenic (PMID: 12112657, 19306334).

Literature cited by the submitters: PubMed 12112657; PubMed 19306334.

NM_001040716.2(PC):c.1123C>T (p.Gln375Ter)

Gene: PC (pyruvate carboxylase; minus strand). Cytogenetic location: 11q13.2.
Variant type: single nucleotide variant.
Coding change: c.1123C>T on transcript NM_001040716.2 (MANE Select); coding-DNA position 1123, C replaced by T.
Protein change: p.Gln375Ter; replaces glutamine 375 with a stop codon.
Molecular consequence: nonsense.
Genome position (GRCh38, 1-based): chr11:66,866,249, G>A on the plus strand (C>T on the coding strand, the complement: PC is on the minus strand). VCF-style: chr11-66866249-G-A. GRCh37 (hg19) VCF-style: chr11-66633720-G-A.
Other names: c.1123C>T, p.Gln375Ter (NM_000920.4, NM_022172.3); short protein forms Q375*.
Identifiers: ClinVar variation 1456444 (VCV001456444.6), dbSNP rs1310884700, ClinGen allele CA381499510.